The following continues an entry in ClinVar:

NM_000277.3(PAH):c.734T>C (p.Val245Ala)

Gene: PAH. ClinVar aggregate classification (germline): Pathogenic. Pathogenic (1).

Submissions 9 to 27 of 27:

OLLIN Analises Genomicas, OLLIN
Classification: Pathogenic for Phenylketonuria. Last evaluated: 2025-06-20. Review status: criteria provided, single submitter. Criteria: ACMG Guidelines 2015 PMID 25741868. Collection method: clinical testing. Allele origin: germline. Affected: yes. Observed: 1 variant allele. Not counted in ClinVar's aggregate classification.
Comment: The nonsense variant (chr12:102855316G>A), located in exon 6 (of 13), is reported in ClinVar (VCV000102723.34), in gnomAD v4.1 non-UKB with an allele frequency of 0.0017%, and in the scientific literature, also in compound heterozygosity, in individuals with phenylketonuria (PMID: 26600521, 10394930, 26600521). This variant introduces a premature stop codon, resulting in a truncated protein or mRNA degradation via nonsense-mediated decay (NMD). According to currently available evidence and the specific ClinGen criteria for the gene (PMID: 30311390, version 2.0, updated on 07/16/2024 - GN006), this variant has been classified as pathogenic (PVS1, PM2_P, PM3_S)*.

Blueprint Genetics
Classification: Pathogenic for PAH-related disorders. Last evaluated: 2024-11-05. Review status: criteria provided, single submitter. Criteria: ACMG Guidelines, 2015. Collection method: clinical testing. Allele origin: germline. Affected: yes. Observed: 5 variant alleles. Not counted in ClinVar's aggregate classification.

Victorian Clinical Genetics Services, Murdoch Childrens Research Institute
Classification: Pathogenic for Phenylketonuria. Last evaluated: 2024-09-21. Review status: criteria provided, single submitter. Criteria: ACMG Guidelines, 2015. Collection method: clinical testing. Allele origin: germline. Inheritance: Autosomal recessive inheritance. Not counted in ClinVar's aggregate classification.
Comment: Based on the classification scheme VCGS_Germline_v1.3.4, this variant is classified as Pathogenic. Following criteria are met: 0102 - Loss of function is a known mechanism of disease in this gene and is associated with phenylketonuria (MIM#261600). (I) 0106 - This gene is associated with autosomal recessive disease. (I) 0200 - Variant is predicted to result in a missense amino acid change from valine to alanine. (I) 0251 - Variant is heterozygous. (I) 0304 - Variant is present in gnomAD (v2) <0.01 for a recessive condition (130 heterozygotes, 0 homozygotes). (SP) 0309 - An alternative amino acid change at the same position has been observed in gnomAD (v2) (6 heterozygotes, 0 homozygotes). (I) 0501 - Missense variant consistently predicted to be damaging by multiple in silico tools or highly conserved with a major amino acid change. (SP) 0600 - Variant is located in the annotated biopterin H domain (DECIPHER). (I) 0703 - Other missense variants comparable to the one identified in this case have moderate previous evidence for pathogenicity. Alternative changes p.(Val245Leu) and p.(Val245Glu) have been reported as pathogenic in patients with phenylketonuria (ClinVar). (SP) 0801 - This variant has strong previous evidence of pathogenicity in unrelated individuals. This variant has been reported multiple times in patients with mild phenylketonuria (ClinVar, PMID: 26666653). (SP) 1208 - Inheritance information for this variant is not currently available. (I) Legend: (SP) - Supporting pathogenic, (I) - Information, (SB) - Supporting benign

Clinical Genetics Laboratory, Skane University Hospital Lund
Classification: Pathogenic. Last evaluated: 2022-05-27. Review status: criteria provided, single submitter. Criteria: ACMG Guidelines, 2015. Collection method: clinical testing. Allele origin: germline. Affected: yes. Not counted in ClinVar's aggregate classification.

GeneDx
Classification: Pathogenic. Last evaluated: 2022-05-16. Review status: criteria provided, single submitter. Criteria: GeneDx Variant Classification Process June 2021. Collection method: clinical testing. Allele origin: germline. Affected: yes. Not counted in ClinVar's aggregate classification.
Comment: Published functional studies demonstrate V245A is associated with residual phenylalanine hydroxylase enzyme activity (Zurfluh et al., 2008; Heintz et al., 2013; Danecka et al., 2015); In silico analysis supports that this missense variant has a deleterious effect on protein structure/function; This variant is associated with the following publications: (PMID: 26666653, 24939588, 8739972, 10980574, 23559577, 25596310, 8088845, 17935162, 16601866, 25087612, 24055113, 24296287, 25637381, 12640344, 7981714, 9298832, 9781015, 8533759, 26803807, 26990548, 31980526, 33326653, 31589614, 32668217, 32778825)

Fulgent Genetics
Classification: Pathogenic for Phenylketonuria. Last evaluated: 2022-03-09. Review status: criteria provided, single submitter. Criteria: ACMG Guidelines, 2015. Collection method: clinical testing. Allele origin: unknown. Not counted in ClinVar's aggregate classification.

Revvity Omics, Revvity
Classification: Pathogenic for Phenylketonuria. Last evaluated: 2021-04-22. Review status: criteria provided, single submitter. Criteria: ACMG Guidelines, 2015. Collection method: clinical testing. Allele origin: germline. Not counted in ClinVar's aggregate classification.

Myriad Genetics, Inc.
Classification: Pathogenic for Phenylketonuria. Last evaluated: 2019-12-17. Review status: criteria provided, single submitter. Criteria: Myriad Women's Health Autosomal Recessive and X-Linked Classification Criteria (2019). Collection method: clinical testing. Allele origin: unknown. Not counted in ClinVar's aggregate classification.
Comment: NM_000277.1(PAH):c.734T>C(V245A) is classified as pathogenic in the context of phenylalanine hydroxylase deficiency and can be associated with variant or non-PKU HPA. Sources cited for classification include the following: PMID 10394930, 16198137, 24350308, 11161839, 16198137, 9781015, 12655553, 23764561, 8088845 and 12501224. Classification of NM_000277.1(PAH):c.734T>C(V245A) is based on the following criteria: This is a well-established pathogenic variant in the literature that has been observed more frequently in patients with clinical diagnoses than in healthy populations. Please note: this variant was assessed in the context of healthy population screening.

Illumina Laboratory Services, Illumina
Classification: Pathogenic for Phenylketonuria. Last evaluated: 2018-10-31. Review status: criteria provided, single submitter. Criteria: ICSL Variant Classification Criteria 09 May 2019. Collection method: clinical testing. Allele origin: germline. Not counted in ClinVar's aggregate classification.
Comment: The PAHc.734T>C (p.Val245Ala) missense variant has been reported in four studies in which it is identified in a compound heterozygous state in a total of eight individuals with phenylalanine hydroxylase deficiency (Gulberg et al. 1994; Zekanowski et al 1997; Kasnauskiene et al. 2003; Trunzo et al. 2014). The p.Val245Ala variant was absent from 220 control chromosomes and is reported at a frequency of 0.00114 in the European (non-Finnish) population of the Exome Aggregation Consortium. Danecka et al. (2015) provided functional assessment of a variety of PAH variants co-expressed in COS-7 cells, and demonstrated reduced activity of the p.Val245Ala variant as compared to wild type. Based on the collective evidence, the p.Val245Ala variant is classified as pathogenic for phenylalanine hydroxylase deficiency. This variant was observed by ICSL as part of a predisposition screen in an ostensibly healthy population.

Quest Diagnostics Nichols Institute San Juan Capistrano
Classification: Pathogenic. Last evaluated: 2018-07-05. Review status: criteria provided, single submitter. Criteria: Quest Diagnostics criteria. Collection method: clinical testing. Allele origin: germline. Not counted in ClinVar's aggregate classification.

Women's Health and Genetics/Laboratory Corporation of America, LabCorp
Classification: Pathogenic for Hyperphenylalaninemia. Last evaluated: 2017-04-13. Review status: criteria provided, single submitter. Criteria: LabCorp Variant Classification Summary - May 2015. Collection method: clinical testing. Allele origin: germline. Not counted in ClinVar's aggregate classification.
Comment: Variant summary: The PAH c.734T>C (p.Val245Ala) variant involves the alteration of a conserved nucleotide. 4/5 in silico tools predict a damaging outcome for this variant. This variant was found in 86/121256 control chromosomes at a frequency of 0.0007092, which does not exceed the estimated maximal expected allele frequency of a pathogenic PAH variant (0.0079057). This variant has been reported in many HPA alleles worldwide and functional studies showed variant with ~ 50% residue activity, which explains the mild phenotype of patients with this variant. In addition, multiple clinical diagnostic laboratories/reputable databases classified this variant as pathogenic. Taken together, this variant is classified as pathogenic.

Eurofins Ntd Llc (ga)
Classification: Pathogenic. Last evaluated: 2015-07-02. Review status: criteria provided, single submitter. Criteria: EGL Classification Definitions 2015. Collection method: clinical testing. Allele origin: germline. Observed: 3 variant alleles, 2 heterozygotes, 1 homozygote. Not counted in ClinVar's aggregate classification.

Genome Diagnostics Laboratory, University Medical Center Utrecht
Classification: Pathogenic for Phenylketonuria. Last evaluated: 2014-10-08. Review status: criteria provided, single submitter. Criteria: ACGS Guidelines, 2013. Collection method: clinical testing. Allele origin: germline. Affected: yes. Study: VKGL Data-share Consensus. Not counted in ClinVar's aggregate classification.

Division of Human Genetics, Children's Hospital of Philadelphia
Classification: Likely pathogenic for Phenylketonuria. Last evaluated: 2016-03-16. Review status: no assertion criteria provided. Collection method: research. Allele origin: germline. Study: CSER-PediSeq. Not counted in ClinVar's aggregate classification.

CSER _CC_NCGL, University of Washington
Classification: Uncertain significance for Hyperphenylalaninaemia. Last evaluated: 2014-06-01. Review status: no assertion criteria provided. Collection method: research. Allele origin: germline. Inheritance: Autosomal recessive inheritance. Study: ESP 6500 variant annotation. Not counted in ClinVar's aggregate classification.
Comment: Variants classified for the Actionable exomic incidental findings in 6503 participants: challenges of variant classification manuscript

OMIM
Classification: Pathogenic for HYPERPHENYLALANINEMIA, NON-PKU. Last evaluated: 1994-05-15. Review status: no assertion criteria provided. Collection method: literature only. Allele origin: germline. Not counted in ClinVar's aggregate classification.

Clinical Genetics DNA and cytogenetics Diagnostics Lab, Erasmus MC, Erasmus Medical Center
Classification: Likely pathogenic. Review status: no assertion criteria provided. Collection method: clinical testing. Allele origin: germline. Affected: yes. Study: VKGL Data-share Consensus. Not counted in ClinVar's aggregate classification.

DeBelle Laboratory for Biochemical Genetics, MUHC/MCH RESEARCH INSTITUTE
No classification provided. Review status: no classification provided. Collection method: not provided. Allele origin: not provided. Not counted in ClinVar's aggregate classification.

Diagnostic Laboratory, Department of Genetics, University Medical Center Groningen
Classification: Likely pathogenic for Phenylketonuria. Review status: no assertion criteria provided. Collection method: clinical testing. Allele origin: germline. Affected: yes. Study: VKGL Data-share Consensus. Not counted in ClinVar's aggregate classification.

Literature cited by the submitters: PubMed 8088845 (cited by 8 submitters); PubMed 7981714 (cited by 3 submitters); PubMed 9298832 (cited by 4 submitters); PubMed 9634518 (cited by ClinGen PAH Variant Curation Expert Panel); PubMed 24296287 (cited by 4 submitters); PubMed 25596310 (cited by 6 submitters); PubMed 26803807 (cited by Labcorp Genetics (formerly Invitae), Labcorp and Ambry Genetics); PubMed 11161839 (cited by Labcorp Genetics (formerly Invitae), Labcorp and Myriad Genetics, Inc.); PubMed 15159646 (cited by Labcorp Genetics (formerly Invitae), Labcorp); PubMed 16198137 (cited by Natera, Inc. and Myriad Genetics, Inc.); PubMed 27121329 (cited by Ambry Genetics); PubMed 31164572 (cited by Ambry Genetics); PubMed 26666653 (cited by 3 submitters); PubMed 29997390 (cited by Dasa); PubMed 26600521 (cited by OLLIN Analises Genomicas, OLLIN); PubMed 10394930 (cited by OLLIN Analises Genomicas, OLLIN and Myriad Genetics, Inc.); PubMed 30311390 (cited by OLLIN Analises Genomicas, OLLIN); PubMed 24350308 (cited by Myriad Genetics, Inc.); PubMed 9781015 (cited by Myriad Genetics, Inc.); PubMed 12655553 (cited by Myriad Genetics, Inc.); PubMed 23764561 (cited by Myriad Genetics, Inc.); PubMed 12501224 (cited by Myriad Genetics, Inc.); PubMed 12655550 (cited by Illumina Laboratory Services, Illumina); PubMed 17935162 (cited by Women's Health and Genetics/Laboratory Corporation of America, LabCorp); PubMed 8659548 (cited by Women's Health and Genetics/Laboratory Corporation of America, LabCorp); PubMed 8406445 (cited by Division of Human Genetics, Children's Hospital of Philadelphia).